The following is an entry in ClinVar:

NM_206933.4(USH2A):c.2491G>T (p.Glu831Ter)

Genes: USH2A (usherin; minus strand), LOC122152296 (Sharpr-MPRA regulatory region 8762; plus strand). Cytogenetic location: 1q41.
Variant type: single nucleotide variant.
Coding change: c.2491G>T on transcript NM_206933.4 (MANE Select); coding-DNA position 2491, G replaced by T.
Protein change: p.Glu831Ter; replaces glutamic acid 831 with a stop codon.
Molecular consequence: nonsense.
Genome position (GRCh38, 1-based): chr1:216,246,903, C>A on the plus strand (G>T on the coding strand, the complement: USH2A is on the minus strand). VCF-style: chr1-216246903-C-A. GRCh37 (hg19) VCF-style: chr1-216420245-C-A.
Other names: c.2491G>T, p.Glu831Ter (NM_007123.6); short protein forms E831*.
Identifiers: ClinVar variation 2836645 (VCV002836645.3), dbSNP rs1558341791, ClinGen allele CA344864676.

ClinVar aggregate classification (germline): Pathogenic (1 of 4 stars; one submission).

Submission:

Labcorp Genetics (formerly Invitae), Labcorp
Classification: Pathogenic. Last evaluated: 2023-02-13. Review status: criteria provided, single submitter. Criteria: Invitae Variant Classification Sherloc (09022015). Collection method: clinical testing. Allele origin: germline.
Comment: For these reasons, this variant has been classified as Pathogenic. This variant has not been reported in the literature in individuals affected with USH2A-related conditions. This variant is not present in population databases (gnomAD no frequency). This sequence change creates a premature translational stop signal (p.Glu831*) in the USH2A gene. It is expected to result in an absent or disrupted protein product. Loss-of-function variants in USH2A are known to be pathogenic (PMID: 10729113, 10909849, 20507924, 25649381).

Literature cited by the submitters: PubMed 10729113; PubMed 10909849; PubMed 20507924; PubMed 25649381.